The following is an entry in ClinVar:

NM_206933.4(USH2A):c.8559-7G>A

Gene: USH2A (usherin; minus strand). Cytogenetic location: 1q41.
Variant type: single nucleotide variant.
Coding change: c.8559-7G>A on transcript NM_206933.4 (MANE Select); 7 bases into the intron before coding-DNA position 8559, G replaced by A.
Molecular consequence: intron variant.
Genome position (GRCh38, 1-based): chr1:215,877,887, C>T on the plus strand (G>A on the coding strand, the complement: USH2A is on the minus strand). VCF-style: chr1-215877887-C-T. GRCh37 (hg19) VCF-style: chr1-216051229-C-T.
Identifiers: ClinVar variation 166468 (VCV000166468.20), dbSNP rs199618999, ClinGen allele CA179533.

ClinVar aggregate classification (germline): Conflicting classifications of pathogenicity. Review status: criteria provided, conflicting classifications (1 of 4 stars). 5 submissions from 5 submitters: Uncertain significance (1); Benign (1); Likely benign (2). 1 of the submissions does not count toward it. Last evaluated 2026-01-19.

Conditions:
Usher syndrome type 2A. Also called: USHER SYNDROME, TYPE IIA; RETINAL DISEASE IN USHER SYNDROME TYPE IIA, MODIFIER OF. Identifiers: Orphanet 231178, Orphanet 886, MedGen C1848634, MONDO:0010169, OMIM 276901.

Allele frequency attached by ClinVar (database versions not stated): ExAC 0.00026; 1000 Genomes Project 0.00060; 1000 Genomes Project 30x 0.00062; gnomAD 0.00080 and 0.00085; TOPMed 0.00089; ESP Exome Variant Server 0.00092; gnomAD exomes 0.00008 and 0.00016.
gnomAD v4.1: 241 of 1,613,514 alleles (0.015%); highest among the groups gnomAD compares: African/African-American, 0.31%; no homozygotes.

Submissions (5):

Labcorp Genetics (formerly Invitae), Labcorp
Classification: Benign. Last evaluated: 2026-01-19. Review status: criteria provided, single submitter. Criteria: Invitae Variant Classification Sherloc (09022015). Collection method: clinical testing. Allele origin: germline.

Blueprint Genetics
Classification: Likely benign. Last evaluated: 2023-11-27. Review status: criteria provided, single submitter. Criteria: ACMG Guidelines, 2015. Collection method: clinical testing. Allele origin: germline.

Eurofins Ntd Llc (ga)
Classification: Uncertain significance. Last evaluated: 2017-03-31. Review status: criteria provided, single submitter. Criteria: EGL Classification Definitions 2015. Collection method: clinical testing. Allele origin: germline. Observed: 1 variant allele, 1 heterozygote.

Laboratory for Molecular Medicine, Mass General Brigham Personalized Medicine
Classification: Likely benign. Last evaluated: 2014-09-09. Review status: criteria provided, single submitter. Criteria: LMM Criteria. Collection method: clinical testing. Allele origin: germline. Observed: 2 variant alleles.
Comment: c.8559-7G>A in intron 42 of USH2A: This variant is not expected to have clinical significance because it has been identified in 0.3% (31/10340) of African chrom osomes by the Exome Aggregation Consortium (dbSN P rs199618999).

Natera, Inc.
Classification: Uncertain significance for Usher syndrome type 2A. Last evaluated: 2019-11-11. Review status: no assertion criteria provided. Collection method: clinical testing. Allele origin: germline. Not counted in ClinVar's aggregate classification.